The following is an entry in ClinVar:

NM_001351132.2(PEX5):c.967-1_971del

Gene: PEX5 (peroxisomal biogenesis factor 5; plus strand). Cytogenetic location: 12p13.31.
Variant type: Deletion.
Coding change: c.967-1_971del on transcript NM_001351132.2 (MANE Select); the canonical splice acceptor site of the intron before coding-DNA position 967 through coding-DNA position 971, 6 bases deleted (GGGGTA; older notation c.967-1_971delGGGGTA).
Molecular consequence: splice acceptor variant. On other transcripts: intron variant (1).
Genome position (GRCh38, 1-based): chr12:7,207,658-7,207,663, GGGGTA deleted; deleting any 6 consecutive bases within chr12:7,207,655-7,207,663 gives the same sequence; the c. name uses the placement nearest the transcript's 3' end. VCF-style (leftmost placement, unchanged base first): chr12-7207654-TGTAGGG-T. GRCh37 (hg19) VCF-style: chr12-7360250-TGTAGGG-T.
Other names: c.856-1_860del (NM_001351124.3, NM_001351126.2, NM_001374646.1 and 7 more transcripts); c.967-1_971del (NM_001131026.2, NM_001351131.2, NM_001374647.2 and 4 more transcripts); c.832-1_836del (NM_001374649.2, NM_001351140.2, NM_001351139.2); c.901-1_905del (NM_001351135.3, NM_001351138.2); c.1012-1_1016del (NM_001131023.2); c.967-10_967-5del (NM_001351136.2); c.943-1_947del (NM_000319.5).
Identifiers: ClinVar variation 2802969 (VCV002802969.3), dbSNP rs769741088, ClinGen allele CA6426338.

ClinVar aggregate classification (germline): Likely pathogenic (1 of 4 stars; one submission).

Conditions:
Peroxisome biogenesis disorder 2B (PBD2B). Identifiers: Orphanet 44, MedGen C3550234, MONDO:0008736, OMIM 202370.

Submission:

Labcorp Genetics (formerly Invitae), Labcorp
Classification: Likely pathogenic for Peroxisome biogenesis disorder 2B. Last evaluated: 2024-01-16. Review status: criteria provided, single submitter. Criteria: Invitae Variant Classification Sherloc (09022015). Collection method: clinical testing. Allele origin: germline.
Comment: This variant results in the deletion of part of exon 11 (c.967-1_971del) of the PEX5 gene. It is expected to disrupt RNA splicing. Variants that disrupt the donor or acceptor splice site typically lead to a loss of protein function (PMID: 16199547), and loss-of-function variants in PEX5 are known to be pathogenic (PMID: 18712838, 21031596). This variant is present in population databases (rs769741088, gnomAD 0.002%). This variant has not been reported in the literature in individuals affected with PEX5-related conditions. In summary, the currently available evidence indicates that the variant is pathogenic, but additional data are needed to prove that conclusively. Therefore, this variant has been classified as Likely Pathogenic.

Literature cited by the submitters: PubMed 16199547; PubMed 18712838; PubMed 21031596.